The following is an entry in ClinVar:

ClinVar aggregate classification (germline): Pathogenic/Likely pathogenic. Review status: criteria provided, multiple submitters, no conflicts (2 of 4 stars). 7 submissions from 7 submitters: Pathogenic (2); Likely pathogenic (5). Last evaluated 2025-10-09.

Conditions:
Citrullinemia. Identifiers: Orphanet 187, MedGen C0175683, MONDO:0015991.
Citrullinemia type I (CTNL1). Also called: argininosuccinate synthetase deficiency; ASS DEFICIENCY. Identifiers: Orphanet 247525, MedGen C4721769, MONDO:0008988, OMIM 215700.

Allele frequency attached by ClinVar (database versions not stated): ExAC 0.00001; gnomAD 0.00001 and 0.00002; gnomAD exomes 0.00002 and 0.00003; TOPMed 0.00002; ESP Exome Variant Server 0.00008.
gnomAD v4.1: 28 of 1,613,984 alleles (0.0017%); highest among the groups gnomAD compares: Non-Finnish European, 0.0021%; no homozygotes.

Submissions (7):

Natera, Inc.
Classification: Likely pathogenic for Citrullinemia type I. Last evaluated: 2025-10-09. Review status: criteria provided, single submitter. Criteria: Natera Variant Classification Schema (03/2026). Collection method: clinical testing. Allele origin: germline.
Comment: The c.929A>G variant in ASS1 is a missense variant predicted to cause substitution of lysine to arginine at amino acid 310. This variant is rare in the general population with a frequency below the threshold expected for the associated phenotype(s). This variant has been observed in one or more individuals affected with the associated recessive disease, as either homozygous or compound heterozygous with a second variant (PMID: 12815590). This variant has been identified in one or more affected individuals with a phenotype highly consistent with the associated gene (PMID: 12815590). Computational prediction algorithms indicate this variant is likely to affect gene or protein function. Given the available evidence, this variant is classified as Likely Pathogenic.

Women's Health and Genetics/Laboratory Corporation of America, LabCorp
Classification: Pathogenic for Citrullinemia. Last evaluated: 2025-06-05. Review status: criteria provided, single submitter. Criteria: LabCorp Variant Classification Summary - May 2015. Collection method: clinical testing. Allele origin: germline.
Comment: Variant summary: ASS1 c.929A>G (p.Lys310Arg) results in a conservative amino acid change in the encoded protein sequence. Algorithms developed to predict the effect of missense changes on protein structure and function are either unavailable or do not agree on the potential impact of this missense change. The variant allele was found at a frequency of 2.8e-05 in 251470 control chromosomes. c.929A>G has been observed in individual(s) affected with Citrullinemia Type I (Gao_2003, Enns_2005, internal testing). These data indicate that the variant is likely to be associated with disease. A different variant affecting this residue (c.928A>C p.K310Q) have been reported in an individual affected with Citrullinemia (Gao_2003), suggesting this residue may be critical for normal protein function. To our knowledge, no experimental evidence demonstrating an impact on protein function has been reported. The following publications have been ascertained in the context of this evaluation (PMID: 28111830, 12815590, 15863597). ClinVar contains an entry for this variant (Variation ID: 365260). Based on the evidence outlined above, the variant was classified as pathogenic.

Fulgent Genetics
Classification: Likely pathogenic for Citrullinemia type I. Last evaluated: 2024-04-11. Review status: criteria provided, single submitter. Criteria: ACMG Guidelines, 2015. Collection method: clinical testing. Allele origin: germline.

Labcorp Genetics (formerly Invitae), Labcorp
Classification: Pathogenic for Citrullinemia. Last evaluated: 2023-06-05. Review status: criteria provided, single submitter. Criteria: Invitae Variant Classification Sherloc (09022015). Collection method: clinical testing. Allele origin: germline.
Comment: Advanced modeling of protein sequence and biophysical properties (such as structural, functional, and spatial information, amino acid conservation, physicochemical variation, residue mobility, and thermodynamic stability) performed at Invitae indicates that this missense variant is not expected to disrupt ASS1 protein function. This variant disrupts the p.Lys310 amino acid residue in ASS1. Other variant(s) that disrupt this residue have been observed in individuals with ASS1-related conditions (PMID: 15266621), which suggests that this may be a clinically significant amino acid residue. For these reasons, this variant has been classified as Pathogenic. This sequence change replaces lysine, which is basic and polar, with arginine, which is basic and polar, at codon 310 of the ASS1 protein (p.Lys310Arg). This variant is present in population databases (rs199751308, gnomAD 0.004%). This missense change has been observed in individual(s) with clinical features of ASS1-related conditions (PMID: 12815590, 15863597; Invitae). In at least one individual the data is consistent with being in trans (on the opposite chromosome) from a pathogenic variant. ClinVar contains an entry for this variant (Variation ID: 365260).

Revvity Omics, Revvity
Classification: Likely pathogenic for Citrullinemia type I. Last evaluated: 2019-06-09. Review status: criteria provided, single submitter. Criteria: ACMG Guidelines, 2015. Collection method: clinical testing. Allele origin: germline.

ARUP Laboratories, Molecular Genetics and Genomics, ARUP Laboratories
Classification: Likely pathogenic. Last evaluated: 2017-03-21. Review status: criteria provided, single submitter. Criteria: ARUP Molecular Germline Variant Investigation Process. Collection method: clinical testing. Allele origin: germline.

GeneDx
Classification: Likely pathogenic. Last evaluated: 2016-08-31. Review status: criteria provided, single submitter. Criteria: GeneDx Variant Classification (06012015). Collection method: clinical testing. Allele origin: germline. Affected: yes.
Comment: The K310R variant in the ASS1 gene has been reported in a patient with adult/late-onset classic citrullinemia who had no detectable arginosuccinate synthetase activity in fibroblasts and who also harbored a pathogenic frameshift variant in the ASS1 gene (Gao et al. 2003). The K310R variant was not observed with any significant frequency in approximately 6500 individuals of European and African American ancestry in the NHLBI Exome Sequencing Project. This substitution occurs at a position that is conserved across species. Furthermore, K310 is located within the catalytic domain of the argininosuccinate synthetase enzyme and is believed to be involved with dimer interaction, and another missense variant at the same position (K310Q) has been identified in a patient with no detectable argininosuccinate synthetase activity who also harbored a splice site variant in the ASS1 gene (Gao et al. 2003). In summary, we interpret K310R to be likely pathogenic.

Literature cited by the submitters: PubMed 12815590 (cited by 3 submitters); PubMed 28111830 (cited by Women's Health and Genetics/Laboratory Corporation of America, LabCorp); PubMed 15863597 (cited by Women's Health and Genetics/Laboratory Corporation of America, LabCorp and Labcorp Genetics (formerly Invitae), Labcorp); PubMed 15266621 (cited by Labcorp Genetics (formerly Invitae), Labcorp).

NM_054012.4(ASS1):c.929A>G (p.Lys310Arg)

Gene: ASS1 (argininosuccinate synthase 1; plus strand). Cytogenetic location: 9q34.11.
Variant type: single nucleotide variant.
Coding change: c.929A>G on transcript NM_054012.4 (MANE Select); coding-DNA position 929, A replaced by G.
Protein change: p.Lys310Arg; replaces lysine 310 with arginine.
Molecular consequence: missense variant.
Genome position (GRCh38, 1-based): chr9:130,489,423, A>G. VCF-style: chr9-130489423-A-G. GRCh37 (hg19) VCF-style: chr9-133364810-A-G.
Other names: c.929A>G, p.Lys310Arg (NM_000050.4); short protein forms K310R.
Identifiers: ClinVar variation 365260 (VCV000365260.33), dbSNP rs199751308, ClinGen allele CA5283575.